The following is an entry in ClinVar:

NM_024642.5(GALNT12):c.1274T>G (p.Phe425Cys)

Gene: GALNT12 (polypeptide N-acetylgalactosaminyltransferase 12; plus strand). Cytogenetic location: 9q22.33.
Variant type: single nucleotide variant.
Coding change: c.1274T>G on transcript NM_024642.5 (MANE Select); coding-DNA position 1274, T replaced by G.
Protein change: p.Phe425Cys; replaces phenylalanine 425 with cysteine.
Molecular consequence: missense variant.
Genome position (GRCh38, 1-based): chr9:98,840,063, T>G. VCF-style: chr9-98840063-T-G. GRCh37 (hg19) VCF-style: chr9-101602345-T-G.
Other names: short protein forms F425C.
Identifiers: ClinVar variation 1766290 (VCV001766290.3), dbSNP rs2490541617, ClinGen allele CA374221011.

ClinVar aggregate classification (germline): Uncertain significance (1 of 4 stars; one submission).

Submission:

Ambry Genetics
Classification: Uncertain significance. Last evaluated: 2025-03-01. Review status: criteria provided, single submitter. Criteria: Ambry Variant Classification Scheme 2023. Collection method: clinical testing. Allele origin: germline.
Comment: The p.F425C variant (also known as c.1274T>G), located in coding exon 7 of the GALNT12 gene, results from a T to G substitution at nucleotide position 1274. The phenylalanine at codon 425 is replaced by cysteine, an amino acid with highly dissimilar properties. This amino acid position is highly conserved in available vertebrate species. In addition, this alteration is predicted to be deleterious by in silico analysis. Since supporting evidence is limited at this time, the clinical significance of this alteration remains unclear.